The following is an entry in ClinVar:

NM_000191.3(HMGCL):c.144+4A>G

Gene: HMGCL (3-hydroxy-3-methylglutaryl-CoA lyase; minus strand). Cytogenetic location: 1p36.11.
Variant type: single nucleotide variant.
Coding change: c.144+4A>G on transcript NM_000191.3 (MANE Select); 4 bases into the intron after coding-DNA position 144, A replaced by G.
Molecular consequence: intron variant.
Genome position (GRCh38, 1-based): chr1:23,820,506, T>C on the plus strand (A>G on the coding strand, the complement: HMGCL is on the minus strand). VCF-style: chr1-23820506-T-C. GRCh37 (hg19) VCF-style: chr1-24146996-T-C.
Other names: c.144+4A>G (NM_001166059.2).
Identifiers: ClinVar variation 2146992 (VCV002146992.3), dbSNP rs970061689, ClinGen allele CA19300756.

ClinVar aggregate classification (germline): Uncertain significance (1 of 4 stars; one submission).

Conditions:
Deficiency of hydroxymethylglutaryl-CoA lyase (HMGCLD). Also called: HMG-CoA LYASE DEFICIENCY; HMGCL DEFICIENCY; HYDROXYMETHYLGLUTARIC ACIDURIA; Defect in leucine metabolism; 3-hydroxy-3-methylglutaric aciduria. Identifiers: Orphanet 20, MedGen C1533587, MONDO:0009520, OMIM 246450.

Submission:

Labcorp Genetics (formerly Invitae), Labcorp
Classification: Uncertain significance for Deficiency of hydroxymethylglutaryl-CoA lyase. Last evaluated: 2021-11-16. Review status: criteria provided, single submitter. Criteria: Invitae Variant Classification Sherloc (09022015). Collection method: clinical testing. Allele origin: germline.
Comment: In summary, the available evidence is currently insufficient to determine the role of this variant in disease. Therefore, it has been classified as a Variant of Uncertain Significance. Variants that disrupt the consensus splice site are a relatively common cause of aberrant splicing (PMID: 17576681, 9536098). Algorithms developed to predict the effect of sequence changes on RNA splicing suggest that this variant may disrupt the consensus splice site. This variant has not been reported in the literature in individuals affected with HMGCL-related conditions. This variant is not present in population databases (gnomAD no frequency). This sequence change falls in intron 2 of the HMGCL gene. It does not directly change the encoded amino acid sequence of the HMGCL protein. It affects a nucleotide within the consensus splice site.

Literature cited by the submitters: PubMed 17576681; PubMed 9536098.